The following is an entry in ClinVar:

ClinVar aggregate classification (germline): Pathogenic (1 of 4 stars; one submission).

Conditions:
Pheochromocytoma/paraganglioma syndrome 4. Also called: PARAGANGLIOMA, FAMILIAL MALIGNANT; PARAGANGLIOMAS, HEREDITARY EXTRAADRENAL; PHEOCHROMOCYTOMA, FAMILIAL EXTRAADRENAL; Paragangliomas 4; CAROTID BODY TUMORS AND MULTIPLE EXTRAADRENAL PHEOCHROMOCYTOMAS; SDHB-Related Hereditary Paraganglioma-Pheochromocytoma Syndrome (Paragangliomas 4). Identifiers: Orphanet 29072, MedGen C1861848, MONDO:0007273, OMIM 115310.
Gastrointestinal stromal tumor. Also called: Gastrointestinal stroma tumor; Gastrointestinal stromal tumor, somatic. Identifiers: Orphanet 44890, MedGen C0238198, MeSH D046152, MONDO:0011719, OMIM 606764, HP:0100723.
Pheochromocytoma. Also called: MAX-Related Hereditary Paraganglioma-Pheochromocytoma Syndrome. Identifiers: Orphanet 29072, MedGen C0031511, MONDO:0008233, OMIM 171300, HP:0002666.

Submission:

Labcorp Genetics (formerly Invitae), Labcorp
Classification: Pathogenic for Gastrointestinal stromal tumor; Pheochromocytoma/paraganglioma syndrome 4; Pheochromocytoma. Last evaluated: 2019-12-23. Review status: criteria provided, single submitter. Criteria: Invitae Variant Classification Sherloc (09022015). Collection method: clinical testing. Allele origin: germline.
Comment: For these reasons, this variant has been classified as Pathogenic. Loss-of-function variants in SDHB are known to be pathogenic (PMID: 19454582, 19802898). This variant has not been reported in the literature in individuals with SDHB-related disease. ClinVar contains an entry for this variant (Variation ID: 412456). This variant is not present in population databases (ExAC no frequency). This sequence change creates a premature translational stop signal (p.Lys167*) in the SDHB gene. It is expected to result in an absent or disrupted protein product.

Literature cited by the submitters: PubMed 19454582; PubMed 19802898.

NM_003000.3(SDHB):c.499A>T (p.Lys167Ter)

Gene: SDHB (succinate dehydrogenase complex iron sulfur subunit B; minus strand). Cytogenetic location: 1p36.13.
Variant type: single nucleotide variant.
Coding change: c.499A>T on transcript NM_003000.3 (MANE Select); coding-DNA position 499, A replaced by T.
Protein change: p.Lys167Ter; replaces lysine 167 with a stop codon.
Molecular consequence: nonsense.
Genome position (GRCh38, 1-based): chr1:17,027,790, T>A on the plus strand (A>T on the coding strand, the complement: SDHB is on the minus strand). VCF-style: chr1-17027790-T-A. GRCh37 (hg19) VCF-style: chr1-17354285-T-A.
Other names: short protein forms K167*.
Identifiers: ClinVar variation 412456 (VCV000412456.9), dbSNP rs1060503753, ClinGen allele CA16609934.